The following is an entry in ClinVar:

NM_017654.4(SAMD9):c.667G>T (p.Ala223Ser)

Gene: SAMD9 (sterile alpha motif domain containing 9; minus strand). Cytogenetic location: 7q21.2.
Variant type: single nucleotide variant.
Coding change: c.667G>T on transcript NM_017654.4 (MANE Select); coding-DNA position 667, G replaced by T.
Protein change: p.Ala223Ser; replaces alanine 223 with serine.
Molecular consequence: missense variant.
Genome position (GRCh38, 1-based): chr7:93,105,431, C>A on the plus strand (G>T on the coding strand, the complement: SAMD9 is on the minus strand). VCF-style: chr7-93105431-C-A. GRCh37 (hg19) VCF-style: chr7-92734744-C-A.
Other names: c.667G>T, p.Ala223Ser (NM_001193307.2); short protein forms A223S.
Identifiers: ClinVar variation 3949528 (VCV003949528.1).

ClinVar aggregate classification (germline): Uncertain significance (1 of 4 stars; one submission).

Conditions:
Inborn genetic diseases. Identifiers: MedGen C0950123, MeSH D030342.

gnomAD v4.1: 17 of 1,613,906 alleles (0.0011%); highest among the groups gnomAD compares: South Asian, 0.0022%; no homozygotes.

Submission:

Ambry Genetics
Classification: Uncertain significance for Inborn genetic diseases. Last evaluated: 2025-04-07. Review status: criteria provided, single submitter. Criteria: Ambry Variant Classification Scheme 2023. Collection method: clinical testing. Allele origin: germline.
Comment: The p.A223S variant (also known as c.667G>T), located in coding exon 1 of the SAMD9 gene, results from a G to T substitution at nucleotide position 667. The alanine at codon 223 is replaced by serine, an amino acid with similar properties. This amino acid position is conserved. In addition, this alteration is predicted to be tolerated by in silico analysis. Based on the available evidence, the clinical significance of this variant remains unclear.